The following is an entry in ClinVar:

NM_003031.4(SIAH1):c.140A>G (p.Tyr47Cys)

Genes: LONP2 (lon peptidase 2, peroxisomal; plus strand), SIAH1 (siah E3 ubiquitin protein ligase 1; minus strand). Cytogenetic location: 16q12.1.
Variant type: single nucleotide variant.
Coding change: c.140A>G on transcript NM_003031.4 (MANE Select); coding-DNA position 140, A replaced by G.
Protein change: p.Tyr47Cys; replaces tyrosine 47 with cysteine.
Molecular consequence: missense variant. On other transcripts: 3 prime UTR variant (1).
Genome position (GRCh38, 1-based): chr16:48,362,289, T>C on the plus strand (A>G on the coding strand, the complement: SIAH1 is on the minus strand). VCF-style: chr16-48362289-T-C. GRCh37 (hg19) VCF-style: chr16-48396200-T-C.
Other names: c.233A>G, p.Tyr78Cys (NM_001006610.2); c.*693T>C (NM_001348078.2); short protein forms Y47C, Y78C.
Identifiers: ClinVar variation 3602262 (VCV003602262.1).
Genomic context (GRCh38, chr16:48,362,289, plus strand): 5'-GGGCGACAGTTGCTACAAACAAGATGGCCACTCTGACATTGAAGAATGGGCGGTAACACA[T>C]AGTCAAAGCAGACTGGACACTCAAAAAGACTCGCCAAGTCATTGTTGGATGCAGTTGTGC-3'
Protein context (NP_003022.3, residues 37-57): SLFECPVCFD[Tyr47Cys]VLPPILQCQS

ClinVar aggregate classification (germline): Likely pathogenic (1 of 4 stars; one submission).

Submission:

GeneDx
Classification: Likely pathogenic. Last evaluated: 2024-07-31. Review status: criteria provided, single submitter. Criteria: GeneDx Variant Classification Process June 2021. Collection method: clinical testing. Allele origin: germline. Affected: yes.
Comment: Not observed at significant frequency in large population cohorts (gnomAD); In silico analysis supports that this missense variant has a deleterious effect on protein structure/function; Has not been previously published as pathogenic or benign to our knowledge